The following is an entry in ClinVar:

ClinVar aggregate classification (germline): Pathogenic/Likely pathogenic. Review status: criteria provided, multiple submitters, no conflicts (2 of 4 stars). 3 submissions from 3 submitters: Pathogenic (2); Likely pathogenic (1). Last evaluated 2026-02-01.

Conditions:
Lipase deficiency, combined. Also called: LPL AND HTGL DEFICIENCY; LIPOPROTEIN LIPASE DEFICIENCY WITH HEPATIC TRIGLYCERIDE LIPASE DEFICIENCY; LPL AND HL DEFICIENCY. Identifiers: Orphanet 535453, MedGen C1855498, MONDO:0009527, OMIM 246650.
LMF1-related disorder. Also called: LMF1-related condition.

Allele frequency attached by ClinVar (database versions not stated): gnomAD exomes below 0.00001 and 0.00001; TOPMed below 0.00001.

Submissions (3):

CeGaT Center for Human Genetics Tuebingen
Classification: Pathogenic. Last evaluated: 2026-02-01. Review status: criteria provided, single submitter. Criteria: CeGaT Center For Human Genetics Tuebingen Variant Classification Criteria Version 2. Collection method: clinical testing. Allele origin: germline. Affected: yes. Observed: 1 variant allele.
Comment: LMF1: PVS1, PM2

Blueprint Genetics
Classification: Likely pathogenic for LMF1-related disorders. Last evaluated: 2024-05-08. Review status: criteria provided, single submitter. Criteria: ACMG Guidelines, 2015. Collection method: clinical testing. Allele origin: germline. Affected: yes. Observed: 1 variant allele.

Mendelics
Classification: Pathogenic for Lipase deficiency, combined. Last evaluated: 2022-05-04. Review status: criteria provided, single submitter. Criteria: Mendelics Assertion Criteria 2019. Collection method: clinical testing. Allele origin: germline.

NM_022773.4(LMF1):c.1264C>T (p.Gln422Ter)

Gene: LMF1 (lipase maturation factor 1; minus strand). Cytogenetic location: 16p13.3.
Variant type: single nucleotide variant.
Coding change: c.1264C>T on transcript NM_022773.4 (MANE Select); coding-DNA position 1264, C replaced by T.
Protein change: p.Gln422Ter; replaces glutamine 422 with a stop codon.
Molecular consequence: nonsense. On other transcripts: non-coding transcript variant (1).
Genome position (GRCh38, 1-based): chr16:870,035, G>A on the plus strand (C>T on the coding strand, the complement: LMF1 is on the minus strand). VCF-style: chr16-870035-G-A. GRCh37 (hg19) VCF-style: chr16-920035-G-A.
Other names: c.613C>T, p.Gln205Ter (NM_001352017.2, NM_001352021.2); c.865C>T, p.Gln289Ter (NM_001352018.2); c.937C>T, p.Gln313Ter (NM_001352019.2); c.1264C>T, p.Gln422Ter (NM_001352020.1); short protein forms Q205*, Q289*, Q313*, Q422*.
Identifiers: ClinVar variation 1675593 (VCV001675593.35), dbSNP rs887346658, ClinGen allele CA276574987.